The following is an entry in ClinVar:

ClinVar aggregate classification (germline): Pathogenic (1 of 4 stars; one submission).

Conditions:
Peutz-Jeghers syndrome (PJS). Also called: POLYPOSIS, HAMARTOMATOUS INTESTINAL; POLYPS-AND-SPOTS SYNDROME; Peutz-Jeghers polyposis; Periorificial lentiginosis syndrome. Identifiers: Orphanet 2869, MedGen C0031269, MeSH D010580, MONDO:0008280, OMIM 175200.

Submission:

Labcorp Genetics (formerly Invitae), Labcorp
Classification: Pathogenic for Peutz-Jeghers syndrome. Last evaluated: 2018-03-21. Review status: criteria provided, single submitter. Criteria: Invitae Variant Classification Sherloc (09022015). Collection method: clinical testing. Allele origin: germline.
Comment: This variant is a gross deletion of the genomic region encompassing part of exon 1 of the STK11 gene, which includes the initiator codon (c.-2498_124del). This is expected to result in an absent or disrupted protein product. This variant has not been reported in the literature in individuals with STK11-related disease. Loss-of-function variants in STK11 are known to be pathogenic (PMID: 15188174, 16287113). For these reasons, this variant has been classified as Pathogenic.

NM_000455.5(STK11):c.-1114_290+1del

Genes: STK11 (serine/threonine kinase 11; plus strand), LOC130062894 (ATAC-STARR-seq lymphoblastoid silent region 9669; plus strand), LOC130062895 (ATAC-STARR-seq lymphoblastoid silent region 9670; plus strand). Cytogenetic location: 19p13.3.
Variant type: Deletion.
Coding change: c.-1114_290+1del on transcript NM_000455.5 (MANE Select); 1114 bases upstream of the start codon through the canonical splice donor site of the intron after coding-DNA position 290, 1,405 bases deleted.
Molecular consequence: splice donor variant, initiator codon variant.
Genome position (GRCh38, 1-based): chr19:1,205,800-1,207,204, 1,405 bases deleted. GRCh37 (hg19): chr19:1,205,799-1,207,203.
Identifiers: ClinVar variation 576830 (VCV000576830.2), ClinGen allele CA891843672.